The following continues an entry in ClinVar:

NM_000093.5(COL5A1):c.4482G>A (p.Pro1494=)

ClinVar aggregate classification (germline): Benign/Likely benign. Benign (12); Likely benign (1).

Submissions 66 to 89 of 89:

Dr. Peter K. Rogan Lab, Western University
No classification provided (evidence only). Condition: Cholangiocarcinoma. Review status: no classification provided. Collection method: in vitro. Allele origin: not applicable. Functional consequence: retained intron. Not counted in ClinVar's aggregate classification.

Dr. Peter K. Rogan Lab, Western University
No classification provided (evidence only). Condition: Adrenocortical carcinoma, hereditary. Review status: no classification provided. Collection method: in vitro. Allele origin: not applicable. Functional consequence: retained intron. Not counted in ClinVar's aggregate classification.

Dr. Peter K. Rogan Lab, Western University
No classification provided (evidence only). Condition: Adrenocortical carcinoma, hereditary. Review status: no classification provided. Collection method: in vitro. Allele origin: not applicable. Functional consequence: retained intron. Not counted in ClinVar's aggregate classification.

Dr. Peter K. Rogan Lab, Western University
No classification provided (evidence only). Condition: Adrenocortical carcinoma, hereditary. Review status: no classification provided. Collection method: in vitro. Allele origin: not applicable. Functional consequence: retained intron. Not counted in ClinVar's aggregate classification.

Dr. Peter K. Rogan Lab, Western University
No classification provided (evidence only). Condition: Uterine carcinosarcoma. Review status: no classification provided. Collection method: in vitro. Allele origin: not applicable. Functional consequence: retained intron. Not counted in ClinVar's aggregate classification.

Dr. Peter K. Rogan Lab, Western University
No classification provided (evidence only). Condition: Uterine carcinosarcoma. Review status: no classification provided. Collection method: in vitro. Allele origin: not applicable. Functional consequence: retained intron. Not counted in ClinVar's aggregate classification.

Dr. Peter K. Rogan Lab, Western University
No classification provided (evidence only). Condition: Uterine carcinosarcoma. Review status: no classification provided. Collection method: in vitro. Allele origin: not applicable. Functional consequence: retained intron. Not counted in ClinVar's aggregate classification.

Dr. Peter K. Rogan Lab, Western University
No classification provided (evidence only). Condition: Uterine carcinosarcoma. Review status: no classification provided. Collection method: in vitro. Allele origin: not applicable. Functional consequence: retained intron. Not counted in ClinVar's aggregate classification.

Dr. Peter K. Rogan Lab, Western University
No classification provided (evidence only). Condition: Uterine carcinosarcoma. Review status: no classification provided. Collection method: in vitro. Allele origin: not applicable. Functional consequence: retained intron. Not counted in ClinVar's aggregate classification.

Dr. Peter K. Rogan Lab, Western University
No classification provided (evidence only). Condition: Uterine carcinosarcoma. Review status: no classification provided. Collection method: in vitro. Allele origin: not applicable. Functional consequence: retained intron. Not counted in ClinVar's aggregate classification.

Dr. Peter K. Rogan Lab, Western University
No classification provided (evidence only). Condition: Uterine carcinosarcoma. Review status: no classification provided. Collection method: in vitro. Allele origin: not applicable. Functional consequence: retained intron. Not counted in ClinVar's aggregate classification.

Dr. Peter K. Rogan Lab, Western University
No classification provided (evidence only). Condition: Uveal melanoma. Review status: no classification provided. Collection method: in vitro. Allele origin: not applicable. Functional consequence: retained intron. Not counted in ClinVar's aggregate classification.

Dr. Peter K. Rogan Lab, Western University
No classification provided (evidence only). Condition: Uveal melanoma. Review status: no classification provided. Collection method: in vitro. Allele origin: not applicable. Functional consequence: retained intron. Not counted in ClinVar's aggregate classification.

Dr. Peter K. Rogan Lab, Western University
No classification provided (evidence only). Condition: Malignant tumor of esophagus. Review status: no classification provided. Collection method: in vitro. Allele origin: not applicable. Functional consequence: retained intron. Not counted in ClinVar's aggregate classification.

Dr. Peter K. Rogan Lab, Western University
No classification provided (evidence only). Condition: Malignant tumor of esophagus. Review status: no classification provided. Collection method: in vitro. Allele origin: not applicable. Functional consequence: retained intron. Not counted in ClinVar's aggregate classification.

Dr. Peter K. Rogan Lab, Western University
No classification provided (evidence only). Condition: Malignant tumor of esophagus. Review status: no classification provided. Collection method: in vitro. Allele origin: not applicable. Functional consequence: retained intron. Not counted in ClinVar's aggregate classification.

Dr. Peter K. Rogan Lab, Western University
No classification provided (evidence only). Condition: Malignant tumor of esophagus. Review status: no classification provided. Collection method: in vitro. Allele origin: not applicable. Functional consequence: retained intron. Not counted in ClinVar's aggregate classification.

Dr. Peter K. Rogan Lab, Western University
No classification provided (evidence only). Condition: Malignant tumor of esophagus. Review status: no classification provided. Collection method: in vitro. Allele origin: not applicable. Functional consequence: retained intron. Not counted in ClinVar's aggregate classification.

Dr. Peter K. Rogan Lab, Western University
No classification provided (evidence only). Condition: Malignant tumor of esophagus. Review status: no classification provided. Collection method: in vitro. Allele origin: not applicable. Functional consequence: retained intron. Not counted in ClinVar's aggregate classification.

Dr. Peter K. Rogan Lab, Western University
No classification provided (evidence only). Condition: Malignant tumor of esophagus. Review status: no classification provided. Collection method: in vitro. Allele origin: not applicable. Functional consequence: retained intron. Not counted in ClinVar's aggregate classification.

Dr. Peter K. Rogan Lab, Western University
No classification provided (evidence only). Condition: Malignant tumor of esophagus. Review status: no classification provided. Collection method: in vitro. Allele origin: not applicable. Functional consequence: retained intron. Not counted in ClinVar's aggregate classification.

Dr. Peter K. Rogan Lab, Western University
No classification provided (evidence only). Condition: Malignant tumor of esophagus. Review status: no classification provided. Collection method: in vitro. Allele origin: not applicable. Functional consequence: retained intron. Not counted in ClinVar's aggregate classification.

Genome Diagnostics Laboratory, Amsterdam University Medical Center
Classification: Benign. Review status: no assertion criteria provided. Collection method: clinical testing. Allele origin: germline. Affected: yes. Study: VKGL Data-share Consensus. Not counted in ClinVar's aggregate classification.

Genome Diagnostics Laboratory, University Medical Center Utrecht
Classification: Benign. Review status: no assertion criteria provided. Collection method: clinical testing. Allele origin: germline. Affected: yes. Study: VKGL Data-share Consensus. Not counted in ClinVar's aggregate classification.

Literature cited by the submitters: PubMed 22696272 (cited by Women's Health and Genetics/Laboratory Corporation of America, LabCorp and Ambry Genetics); PubMed 10471441 (cited by Ambry Genetics); PubMed 15580559 (cited by Ambry Genetics).